The following is an entry in ClinVar:

NC_000003.11:g.(?_148838832)_(148847724_?)del

Gene: HPS3 (HPS3 biogenesis of lysosomal organelles complex 2 subunit 1; plus strand). Cytogenetic location: 3q24.
Variant type: Deletion.
Identifiers: ClinVar variation 3247050 (VCV003247050.1).

ClinVar aggregate classification (germline): Pathogenic (1 of 4 stars; one submission).

Submission:

Labcorp Genetics (formerly Invitae), Labcorp
Classification: Pathogenic. Last evaluated: 2022-04-25. Review status: criteria provided, single submitter. Criteria: Invitae Variant Classification Sherloc (09022015). Collection method: clinical testing. Allele origin: unknown.
Comment: This variant results in the deletion of part of exon 1 (c.-8679_215del) of the HPS3 gene. It is expected to result in an absent or disrupted protein product. Loss-of-function variants in HPS3 are known to be pathogenic (PMID: 11590544). This variant has not been reported in the literature in individuals affected with HPS3-related conditions. For these reasons, this variant has been classified as Pathogenic.

Literature cited by the submitters: PubMed 11590544.